The following is an entry in ClinVar:

ClinVar aggregate classification (germline): Uncertain significance (1 of 4 stars; one submission).

Conditions:
Hereditary cancer-predisposing syndrome. Also called: Tumor predisposition; Hereditary Cancer Syndrome; Hereditary neoplastic syndrome; Neoplastic Syndromes, Hereditary. Identifiers: Orphanet 140162, MedGen C0027672, MeSH D009386, MONDO:0015356.

Submission:

Ambry Genetics
Classification: Uncertain significance for Hereditary cancer-predisposing syndrome. Last evaluated: 2025-11-18. Review status: criteria provided, single submitter. Criteria: Ambry Variant Classification Scheme 2023. Collection method: clinical testing. Allele origin: germline.
Comment: The p.R40M variant (also known as c.119G>T), located in coding exon 3 of the SMARCE1 gene, results from a G to T substitution at nucleotide position 119. The arginine at codon 40 is replaced by methionine, an amino acid with similar properties. This amino acid position is conserved. In addition, the in silico prediction for this alteration is inconclusive. Based on the available evidence, the clinical significance of this variant remains unclear.

NM_003079.5(SMARCE1):c.119G>T (p.Arg40Met)

Gene: SMARCE1 (SWI/SNF related BAF chromatin remodeling complex subunit E1; minus strand). Cytogenetic location: 17q21.2.
Variant type: single nucleotide variant.
Coding change: c.119G>T on transcript NM_003079.5 (MANE Select); coding-DNA position 119, G replaced by T.
Protein change: p.Arg40Met; replaces arginine 40 with methionine.
Molecular consequence: missense variant.
Genome position (GRCh38, 1-based): chr17:40,642,492, C>A on the plus strand (G>T on the coding strand, the complement: SMARCE1 is on the minus strand). VCF-style: chr17-40642492-C-A. GRCh37 (hg19) VCF-style: chr17-38798744-C-A.
Other names: short protein forms R40M.
Identifiers: ClinVar variation 4550587 (VCV004550587.1).